The following is an entry in ClinVar:

NM_002637.4(PHKA1):c.2657G>C (p.Gly886Ala)

Gene: PHKA1 (phosphorylase kinase regulatory subunit alpha 1; minus strand). Cytogenetic location: Xq13.1.
Variant type: single nucleotide variant.
Coding change: c.2657G>C on transcript NM_002637.4 (MANE Select); coding-DNA position 2657, G replaced by C.
Protein change: p.Gly886Ala; replaces glycine 886 with alanine.
Molecular consequence: missense variant.
Genome position (GRCh38, 1-based): chrX:72,605,569, C>G on the plus strand (G>C on the coding strand, the complement: PHKA1 is on the minus strand). VCF-style: chrX-72605569-C-G. GRCh37 (hg19) VCF-style: chrX-71825419-C-G.
Other names: c.2657G>C, p.Gly886Ala (NM_001122670.2); c.2480G>C, p.Gly827Ala (NM_001172436.2); short protein forms G827A, G886A.
Identifiers: ClinVar variation 1719345 (VCV001719345.6), dbSNP rs782389543, ClinGen allele CA413589319.

ClinVar aggregate classification (germline): Uncertain significance (1 of 4 stars; one submission).

Conditions:
Glycogen storage disease IXd (GSD9D). Also called: Muscle Phosphorylase Kinase Deficiency; GSD IXd. Identifiers: Orphanet 715, MedGen C1845151, MONDO:0010362, OMIM 300559.

Submission:

Labcorp Genetics (formerly Invitae), Labcorp
Classification: Uncertain significance for Glycogen storage disease IXd. Last evaluated: 2025-10-03. Review status: criteria provided, single submitter. Criteria: Invitae Variant Classification Sherloc (09022015). Collection method: clinical testing. Allele origin: germline.
Comment: This sequence change replaces glycine, which is neutral and non-polar, with alanine, which is neutral and non-polar, at codon 886 of the PHKA1 protein (p.Gly886Ala). This variant is not present in population databases (gnomAD no frequency). This variant has not been reported in the literature in individuals affected with PHKA1-related conditions. ClinVar contains an entry for this variant (Variation ID: 1719345). Invitae Evidence Modeling of protein sequence and biophysical properties (such as structural, functional, and spatial information, amino acid conservation, physicochemical variation, residue mobility, and thermodynamic stability) indicates that this missense variant is not expected to disrupt PHKA1 protein function with a negative predictive value of 80%. In summary, the available evidence is currently insufficient to determine the role of this variant in disease. Therefore, it has been classified as a Variant of Uncertain Significance.